The following is an entry in ClinVar:

NM_003183.6(ADAM17):c.1648+4C>T

Genes: ADAM17 (ADAM metallopeptidase domain 17; minus strand), IAH1 (isoamyl acetate hydrolyzing esterase 1 (putative); plus strand). Cytogenetic location: 2p25.1.
Variant type: single nucleotide variant.
Coding change: c.1648+4C>T on transcript NM_003183.6 (MANE Select); 4 bases into the intron after coding-DNA position 1648, C replaced by T.
Molecular consequence: intron variant.
Genome position (GRCh38, 1-based): chr2:9,502,169, G>A on the plus strand (C>T on the coding strand, the complement: ADAM17 is on the minus strand). VCF-style: chr2-9502169-G-A. GRCh37 (hg19) VCF-style: chr2-9642298-G-A.
Other names: c.988+4C>T (NM_001382777.1); c.751+4C>T (NM_001382778.1).
Identifiers: ClinVar variation 998845 (VCV000998845.6), dbSNP rs368540920, ClinGen allele CA1523454.

ClinVar aggregate classification (germline): Uncertain significance (1 of 4 stars; one submission).

Conditions:
Inflammatory skin and bowel disease, neonatal, 1. Identifiers: Orphanet 294023, MedGen C3280501, MONDO:0013693, OMIM 614328.

Allele frequency attached by ClinVar (database versions not stated): gnomAD exomes 0.00001 and 0.00002; ExAC 0.00002; gnomAD 0.00002; TOPMed 0.00003; ESP Exome Variant Server 0.00015.
gnomAD v4.1: 32 of 1,612,466 alleles (0.002%); highest among the groups gnomAD compares: Admixed American, 0.01%; no homozygotes.

Submission:

Labcorp Genetics (formerly Invitae), Labcorp
Classification: Uncertain significance for Inflammatory skin and bowel disease, neonatal, 1. Last evaluated: 2025-01-06. Review status: criteria provided, single submitter. Criteria: Invitae Variant Classification Sherloc (09022015). Collection method: clinical testing. Allele origin: germline.
Comment: This sequence change falls in intron 13 of the ADAM17 gene. It does not directly change the encoded amino acid sequence of the ADAM17 protein. It affects a nucleotide within the consensus splice site. This variant is present in population databases (rs368540920, gnomAD 0.008%). This variant has not been reported in the literature in individuals affected with ADAM17-related conditions. ClinVar contains an entry for this variant (Variation ID: 998845). Variants that disrupt the consensus splice site are a relatively common cause of aberrant splicing (PMID: 17576681, 9536098). Algorithms developed to predict the effect of sequence changes on RNA splicing suggest that this variant is not likely to affect RNA splicing. In summary, the available evidence is currently insufficient to determine the role of this variant in disease. Therefore, it has been classified as a Variant of Uncertain Significance.

Literature cited by the submitters: PubMed 17576681; PubMed 9536098.